The following is an entry in ClinVar:

NM_000548.5(TSC2):c.5272G>A (p.Ala1758Thr)

Gene: TSC2 (TSC complex subunit 2; plus strand). Cytogenetic location: 16p13.3.
Variant type: single nucleotide variant.
Coding change: c.5272G>A on transcript NM_000548.5 (MANE Select); coding-DNA position 5272, G replaced by A.
Protein change: p.Ala1758Thr; replaces alanine 1758 with threonine.
Molecular consequence: missense variant.
Genome position (GRCh38, 1-based): chr16:2,088,458, G>A. VCF-style: chr16-2088458-G-A. GRCh37 (hg19) VCF-style: chr16-2138459-G-A.
Other names: c.5071G>A, p.Ala1691Thr (NM_001077183.3); c.5203G>A, p.Ala1735Thr (NM_001114382.3); c.4963G>A, p.Ala1655Thr (NM_001318827.2); c.4927G>A, p.Ala1643Thr (NM_001318829.2); c.4540G>A, p.Ala1514Thr (NM_001318831.2); c.5104G>A, p.Ala1702Thr (NM_001318832.2); c.5074G>A, p.Ala1692Thr (NM_001363528.2); c.5140G>A, p.Ala1714Thr (NM_001370404.1); and 3 more; short protein forms A1655T, A1702T, A1715T, A1514T, A1692T, A1711T, A1714T, A1758T.
Identifiers: ClinVar variation 1347802 (VCV001347802.9), dbSNP rs1555441169, ClinGen allele CA394315127.

ClinVar aggregate classification (germline): Uncertain significance. Review status: criteria provided, multiple submitters, no conflicts (2 of 4 stars). 2 submissions from 2 submitters: Uncertain significance (2). Last evaluated 2023-11-16.

Conditions:
Hereditary cancer-predisposing syndrome. Also called: Hereditary Cancer Syndrome; Neoplastic Syndromes, Hereditary; Tumor predisposition; Hereditary neoplastic syndrome. Identifiers: Orphanet 140162, MedGen C0027672, MeSH D009386, MONDO:0015356.
Tuberous sclerosis 2 (TSC2). Identifiers: Orphanet 805, MedGen C1860707, MONDO:0013199, OMIM 613254.

gnomAD v4.1: 3 of 1,612,828 alleles (0.00019%); highest among the groups gnomAD compares: Non-Finnish European, 0.00025%; no homozygotes.

Submissions (2):

Ambry Genetics
Classification: Uncertain significance for Hereditary cancer-predisposing syndrome. Last evaluated: 2023-11-16. Review status: criteria provided, single submitter. Criteria: Ambry Variant Classification Scheme 2023. Collection method: clinical testing. Allele origin: germline.
Comment: The p.A1758T variant (also known as c.5272G>A), located in coding exon 41 of the TSC2 gene, results from a G to A substitution at nucleotide position 5272. The alanine at codon 1758 is replaced by threonine, an amino acid with similar properties. This amino acid position is conserved. In addition, the in silico prediction for this alteration is inconclusive. Since supporting evidence is limited at this time, the clinical significance of this alteration remains unclear.

Labcorp Genetics (formerly Invitae), Labcorp
Classification: Uncertain significance for Tuberous sclerosis 2. Last evaluated: 2023-06-18. Review status: criteria provided, single submitter. Criteria: Invitae Variant Classification Sherloc (09022015). Collection method: clinical testing. Allele origin: germline.
Comment: In summary, the available evidence is currently insufficient to determine the role of this variant in disease. Therefore, it has been classified as a Variant of Uncertain Significance. Advanced modeling of protein sequence and biophysical properties (such as structural, functional, and spatial information, amino acid conservation, physicochemical variation, residue mobility, and thermodynamic stability) performed at Invitae indicates that this missense variant is not expected to disrupt TSC2 protein function. ClinVar contains an entry for this variant (Variation ID: 1347802). This variant has not been reported in the literature in individuals affected with TSC2-related conditions. This variant is not present in population databases (gnomAD no frequency). This sequence change replaces alanine, which is neutral and non-polar, with threonine, which is neutral and polar, at codon 1758 of the TSC2 protein (p.Ala1758Thr).